The following is an entry in ClinVar:

NM_001377.3(DYNC2H1):c.7768C>T (p.Gln2590Ter)

Gene: DYNC2H1 (dynein cytoplasmic 2 heavy chain 1; plus strand). Cytogenetic location: 11q22.3.
Variant type: single nucleotide variant.
Coding change: c.7768C>T on transcript NM_001377.3 (MANE Select); coding-DNA position 7768, C replaced by T.
Protein change: p.Gln2590Ter; replaces glutamine 2590 with a stop codon.
Molecular consequence: nonsense.
Genome position (GRCh38, 1-based): chr11:103,197,992, C>T. VCF-style: chr11-103197992-C-T. GRCh37 (hg19) VCF-style: chr11-103068721-C-T.
Other names: c.7768C>T, p.Gln2590Ter (NM_001080463.2); short protein forms Q2590*.
Identifiers: ClinVar variation 5015710 (VCV005015710.1).

ClinVar aggregate classification (germline): Pathogenic (1 of 4 stars; one submission).

Conditions:
Asphyxiating thoracic dystrophy 3. Also called: SHORT-RIB THORACIC DYSPLASIA 3 WITH OR WITHOUT POLYDACTYLY; POLYDACTYLY WITH NEONATAL CHONDRODYSTROPHY, TYPE I; SHORT-RIB THORACIC DYSPLASIA 3/6 WITH POLYDACTYLY, DIGENIC; Short rib polydactyly syndrome 2B; Saldino-Noonan Syndrome. Identifiers: Orphanet 474, Orphanet 93269, Orphanet 93270, Orphanet 93271, MedGen C0036069, MONDO:0013127, OMIM 613091.

Submission:

Myriad Genetics, Inc.
Classification: Pathogenic for Asphyxiating thoracic dystrophy 3. Last evaluated: 2026-03-21. Review status: criteria provided, single submitter. Criteria: Myriad Autosomal Dominant, Autosomal Recessive and X-Linked Classification Criteria (2023). Collection method: clinical testing. Allele origin: unknown.
Comment: NM_001377.2(DYNC2H1):c.7768C>T(Q2590*) is expected to be pathogenic in the context of DYNC2H1-related disorders. This variant is predicted to lead to an abnormal or absent protein product due to the creation of a premature termination codon in DYNC2H1, a gene where loss-of-function variants are known to be pathogenic. Please note: this variant was assessed in the context of healthy population screening.